The following is an entry in ClinVar:

NM_000228.3(LAMB3):c.2872_2873del (p.Arg958fs)

Gene: LAMB3 (laminin subunit beta 3; minus strand). Cytogenetic location: 1q32.2.
Variant type: Microsatellite.
Coding change: c.2872_2873del on transcript NM_000228.3 (MANE Select); coding-DNA positions 2872 to 2873, 2 bases deleted (CG; older notation c.2872_2873delCG).
Protein change: p.Arg958fs; shifts the reading frame from arginine 958.
Molecular consequence: frameshift variant.
Genome position (GRCh38, 1-based): chr1:209,618,488-209,618,489, CG deleted on the plus strand (CG on the coding strand, the reverse complement: LAMB3 is on the minus strand); deleting any 2 consecutive bases within chr1:209,618,488-209,618,492 gives the same sequence; the c. name uses the placement nearest the transcript's 3' end. VCF-style (leftmost placement, unchanged base first): chr1-209618487-ACG-A. GRCh37 (hg19) VCF-style: chr1-209791832-ACG-A.
Other names: c.2872_2873del, p.Arg958fs (NM_001017402.2, NM_001127641.1); short protein forms R958fs.
Identifiers: ClinVar variation 5013854 (VCV005013854.1).

ClinVar aggregate classification (germline): Pathogenic (1 of 4 stars; one submission).

Conditions:
Junctional epidermolysis bullosa. Identifiers: Orphanet 305, MedGen C0079301, MONDO:0017612.

Submission:

Myriad Genetics, Inc.
Classification: Pathogenic for Junctional epidermolysis bullosa. Last evaluated: 2024-12-13. Review status: criteria provided, single submitter. Criteria: Myriad Autosomal Dominant, Autosomal Recessive and X-Linked Classification Criteria (2023). Collection method: clinical testing. Allele origin: unknown.
Comment: NM_000228.2(LAMB3):c.2872_2873delCG(R958Cfs*7) is expected to be pathogenic in the context of junctional epidermolysis bullosa, LAMB3-related. This variant is predicted to lead to an abnormal or absent protein product due to the creation of a premature termination codon in LAMB3, a gene where loss-of-function variants are known to be pathogenic. Please note: this variant was assessed in the context of healthy population screening.